The following is an entry in ClinVar:

NM_001204.7(BMPR2):c.785T>C (p.Val262Ala)

Gene: BMPR2 (bone morphogenetic protein receptor type 2; plus strand). Cytogenetic location: 2q33.2.
Variant type: single nucleotide variant.
Coding change: c.785T>C on transcript NM_001204.7 (MANE Select); coding-DNA position 785, T replaced by C.
Protein change: p.Val262Ala; replaces valine 262 with alanine.
Molecular consequence: missense variant.
Genome position (GRCh38, 1-based): chr2:202,518,985, T>C. VCF-style: chr2-202518985-T-C. GRCh37 (hg19) VCF-style: chr2-203383708-T-C.
Other names: short protein forms V262A.
Identifiers: ClinVar variation 2721424 (VCV002721424.5), dbSNP rs759935686, ClinGen allele CA2061205.

ClinVar aggregate classification (germline): Conflicting classifications of pathogenicity. Review status: criteria provided, conflicting classifications (1 of 4 stars). 2 submissions from 2 submitters: Uncertain significance (1); Likely benign (1). Last evaluated 2025-02-22.

Conditions:
Primary pulmonary hypertension. Also called: Idiopathic pulmonary hypertension. Identifiers: MedGen C0152171.
Inborn genetic diseases. Identifiers: MedGen C0950123, MeSH D030342.

Allele frequency attached by ClinVar (database versions not stated): ExAC 0.00001; gnomAD 0.00001; gnomAD exomes 0.00001; TOPMed 0.00002.
gnomAD v4.1: 11 of 1,614,054 alleles (0.00068%); highest among the groups gnomAD compares: Admixed American, 0.017%; no homozygotes.

Submissions (2):

Ambry Genetics
Classification: Uncertain significance for Inborn genetic diseases. Last evaluated: 2025-02-22. Review status: criteria provided, single submitter. Criteria: Ambry Variant Classification Scheme 2023. Collection method: clinical testing. Allele origin: germline.
Comment: The p.V262A variant (also known as c.785T>C), located in coding exon 6 of the BMPR2 gene, results from a T to C substitution at nucleotide position 785. The valine at codon 262 is replaced by alanine, an amino acid with similar properties. This amino acid position is conserved. In addition, this alteration is predicted to be tolerated by in silico analysis. Based on the available evidence, the clinical significance of this variant remains unclear.

Labcorp Genetics (formerly Invitae), Labcorp
Classification: Likely benign for Primary pulmonary hypertension. Last evaluated: 2023-01-16. Review status: criteria provided, single submitter. Criteria: Invitae Variant Classification Sherloc (09022015). Collection method: clinical testing. Allele origin: germline.